The following is an entry in ClinVar:

ClinVar aggregate classification (germline): Uncertain significance (1 of 4 stars; one submission).

Allele frequency attached by ClinVar (database versions not stated): gnomAD exomes below 0.00001.

Submission:

Labcorp Genetics (formerly Invitae), Labcorp
Classification: Uncertain significance. Last evaluated: 2021-10-21. Review status: criteria provided, single submitter. Criteria: Invitae Variant Classification Sherloc (09022015). Collection method: clinical testing. Allele origin: germline.
Comment: This variant has not been reported in the literature in individuals affected with MERTK-related conditions. This sequence change replaces histidine with tyrosine at codon 102 of the MERTK protein (p.His102Tyr). The histidine residue is highly conserved and there is a moderate physicochemical difference between histidine and tyrosine. This variant is not present in population databases (ExAC no frequency). Algorithms developed to predict the effect of missense changes on protein structure and function (SIFT, PolyPhen-2, Align-GVGD) all suggest that this variant is likely to be disruptive. In summary, the available evidence is currently insufficient to determine the role of this variant in disease. Therefore, it has been classified as a Variant of Uncertain Significance.

NM_006343.3(MERTK):c.304C>T (p.His102Tyr)

Gene: MERTK (MER proto-oncogene, tyrosine kinase; plus strand). Cytogenetic location: 2q13.
Variant type: single nucleotide variant.
Coding change: c.304C>T on transcript NM_006343.3 (MANE Select); coding-DNA position 304, C replaced by T.
Protein change: p.His102Tyr; replaces histidine 102 with tyrosine.
Molecular consequence: missense variant.
Genome position (GRCh38, 1-based): chr2:111,929,362, C>T. VCF-style: chr2-111929362-C-T. GRCh37 (hg19) VCF-style: chr2-112686939-C-T.
Other names: short protein forms H102Y.
Identifiers: ClinVar variation 1377241 (VCV001377241.6), dbSNP rs1238990844, ClinGen allele CA348226344.